The following is an entry in ClinVar:

ClinVar aggregate classification (germline): Pathogenic/Likely pathogenic. Review status: criteria provided, multiple submitters, no conflicts (2 of 4 stars). 2 submissions from 2 submitters: Pathogenic (1); Likely pathogenic (1). Last evaluated 2024-06-18.

Conditions:
Duchenne muscular dystrophy (DMD). Also called: MUSCULAR DYSTROPHY, PSEUDOHYPERTROPHIC PROGRESSIVE, DUCHENNE TYPE; Duchenne Muscular Dystrophy (DMD). Identifiers: Orphanet 98896, MedGen C0013264, MONDO:0010679, OMIM 310200.
Becker muscular dystrophy, Cardiomyopathy, Duchenne muscular dystrophy, Dystrophin deficiency.

Submissions (2):

Natera, Inc.
Classification: Likely pathogenic for Becker muscular dystrophy, Cardiomyopathy, Duchenne muscular dystrophy, Dystrophin deficiency. Last evaluated: 2024-06-18. Review status: criteria provided, single submitter. Criteria: Natera Variant Classification Schema (03/2026). Collection method: clinical testing. Allele origin: germline.
Comment: The c.3917dup variant in DMD is a frameshift variant predicted to shift the reading frame beginning at codon 1307 and leads to a stop codon 4 codons downstream. This variant is expected to result in nonsense mediated decay, truncation, or a dysfunctional protein product. This variant is rare in the general population with a frequency below the threshold expected for the associated phenotype(s). Given the available evidence, this variant is classified as Likely Pathogenic.

Labcorp Genetics (formerly Invitae), Labcorp
Classification: Pathogenic for Duchenne muscular dystrophy. Last evaluated: 2023-03-26. Review status: criteria provided, single submitter. Criteria: Invitae Variant Classification Sherloc (09022015). Collection method: clinical testing. Allele origin: germline.
Comment: For these reasons, this variant has been classified as Pathogenic. This variant has not been reported in the literature in individuals affected with DMD-related conditions. This variant is not present in population databases (gnomAD no frequency). This sequence change creates a premature translational stop signal (p.Asp1307Argfs*4) in the DMD gene. It is expected to result in an absent or disrupted protein product. Loss-of-function variants in DMD are known to be pathogenic (PMID: 16770791, 25007885).

Literature cited by the submitters: PubMed 16770791 (cited by Labcorp Genetics (formerly Invitae), Labcorp); PubMed 25007885 (cited by Labcorp Genetics (formerly Invitae), Labcorp).

NM_004006.3(DMD):c.3917dup (p.Asp1307fs)

Gene: DMD (dystrophin; minus strand). Cytogenetic location: Xp21.1.
Variant type: Duplication.
Coding change: c.3917dup on transcript NM_004006.3 (MANE Select); coding-DNA position 3917, one base duplicated (T; older notation c.3917dupT).
Protein change: p.Asp1307fs; shifts the reading frame from aspartic acid 1307.
Molecular consequence: frameshift variant.
Genome position (GRCh38, 1-based): chrX:32,441,184, A duplicated on the plus strand (T on the coding strand, the reverse complement: DMD is on the minus strand). VCF-style (leftmost placement, unchanged base first): chrX-32441183-T-TA. GRCh37 (hg19) VCF-style: chrX-32459300-T-TA.
Other names: c.3893dup, p.Asp1299fs (NM_000109.4); c.3905dup, p.Asp1303fs (NM_004009.3); c.3548dup, p.Asp1184fs (NM_004010.3); short protein forms D1303fs, D1299fs, D1184fs, D1307fs.
Identifiers: ClinVar variation 2827328 (VCV002827328.4), dbSNP rs2524124161, ClinGen allele CA2739273335.
Genomic context (GRCh38, chrX:32,441,183, plus strand): 5'-TGACCTCTTTTAATACTGCATATAAATTATCATCATTTGGCTTAATTTACAACTTACATC[T>TA]AGCACCTCAGAGATTTCCTCAGCTCCGCCAGGAATGTTTTCAGTGGTTTTAAGTTTAAAT-3'